The following is an entry in ClinVar:

ClinVar aggregate classification (germline): Pathogenic (1 of 4 stars; one submission).

Conditions:
Rubinstein-Taybi syndrome (RSTS). Identifiers: Orphanet 783, MedGen C0035934, MONDO:0019188.

Submission:

Labcorp Genetics (formerly Invitae), Labcorp
Classification: Pathogenic for Rubinstein-Taybi syndrome. Last evaluated: 2020-09-04. Review status: criteria provided, single submitter. Criteria: Invitae Variant Classification Sherloc (09022015). Collection method: clinical testing. Allele origin: germline.
Comment: For these reasons, this variant has been classified as Pathogenic. This variant disrupts a region of the protein in which other variant(s) (p.Tyr650Phe, p.Leu604Pro) have been observed in individuals with CREBBP-related conditions (PMID: 25388907, 22591219). This suggests that this may be a clinically significant region of the CREBBP protein. This variant has been observed in individual(s) with clinical features of Rubinstein-Taybi syndrome (Invitae). In at least one individual the variant was observed to be de novo. This variant is an in-frame deletion of the genomic region encompassing exon(s) 6-11 of the CREBBP gene. It preserves the integrity of the reading frame.

Literature cited by the submitters: PubMed 25388907; PubMed 22591219.

NC_000016.9:g.(?_3827594)_(3832947_?)del

Gene: CREBBP (CREB binding lysine acetyltransferase; minus strand). Cytogenetic location: 16p13.3.
Variant type: Deletion.
Identifiers: ClinVar variation 1069172 (VCV001069172.7).